The following is an entry in ClinVar:

NM_007294.4(BRCA1):c.4322_4323delinsGATTT (p.Asp1441delinsGlyPhe)

Gene: BRCA1 (BRCA1 DNA repair associated; minus strand). Cytogenetic location: 17q21.31.
Variant type: Indel.
Coding change: c.4322_4323delinsGATTT on transcript NM_007294.4 (MANE Select); coding-DNA positions 4322 to 4323, AC replaced by GATTT.
Protein change: p.Asp1441delinsGlyPhe.
Molecular consequence: inframe indel.
Genome position (GRCh38, 1-based): chr17:43,082,438-43,082,439, GT replaced by AAATC on the plus strand (AC replaced by GATTT on the coding strand, the reverse complement: BRCA1 is on the minus strand). VCF-style: chr17-43082438-GT-AAATC. GRCh37 (hg19) VCF-style: chr17-41234455-GT-AAATC.
Other names: c.4109_4110delinsGATTT, p.Asp1370delinsGlyPhe (NM_001407571.1, NM_001407918.1, NM_001407853.1 and 12 more transcripts); c.4322_4323delinsGATTT, p.Asp1441delinsGlyPhe (NM_001407581.1, NM_001407582.1, NM_001407583.1 and 23 more transcripts); c.4319_4320delinsGATTT, p.Asp1440delinsGlyPhe (NM_001407587.1, NM_001407590.1, NM_001407591.1 and 21 more transcripts); c.4316_4317delinsGATTT, p.Asp1439delinsGlyPhe (NM_001407627.1, NM_001407628.1, NM_001407629.1 and 5 more transcripts); c.4310_4311delinsGATTT, p.Asp1437delinsGlyPhe (NM_001407646.1, NM_001407647.1); c.4199_4200delinsGATTT, p.Asp1400delinsGlyPhe (NM_001407648.1, NM_001407664.1, NM_001407665.1 and 13 more transcripts); c.4196_4197delinsGATTT, p.Asp1399delinsGlyPhe (NM_001407649.1, NM_001407670.1, NM_001407671.1 and 12 more transcripts); c.4244_4245delinsGATTT, p.Asp1415delinsGlyPhe (NM_001407653.1, NM_001407654.1, NM_001407655.1 and 2 more transcripts); and 52 more.
Identifiers: ClinVar variation 3226153 (VCV003226153.1), dbSNP rs2551898488, ClinGen allele CA2825002471.
Genomic context (GRCh38, chr17:43,082,438, plus strand): 5'-ATCAGTGTTTGGCCAACAATACACACCTTTTTCTGATGTGCTTTGTTCTGGATTTCGCAG[GT>AAATC]CCTCAAGGGCAGAAGAGTCACTTATGATGGAAGGGTAGCTGTTAGAAGGCTGGCTCCCAT-3'

ClinVar aggregate classification (germline): Uncertain significance (1 of 4 stars; one submission).

Conditions:
Hereditary cancer-predisposing syndrome. Also called: Neoplastic Syndromes, Hereditary; Tumor predisposition; Hereditary neoplastic syndrome; Hereditary Cancer Syndrome. Identifiers: Orphanet 140162, MedGen C0027672, MeSH D009386, MONDO:0015356.

Submission:

Ambry Genetics
Classification: Uncertain significance for Hereditary cancer-predisposing syndrome. Last evaluated: 2024-02-28. Review status: criteria provided, single submitter. Criteria: Ambry Variant Classification Scheme 2023. Collection method: clinical testing. Allele origin: germline.
Comment: The c.4322_4323delACinsGATTT variant (also known as p.D1441delinsGF), located in coding exon 11 of the BRCA1 gene, results from an in-frame deletion of AC and insertion of GATTT at nucleotide positions 4322 to 4323. This results in the in-frame deletion of the aspartic acid residue and the insertion of glycine and phenylalanine residues at codon 1441. This amino acid position is not well conserved in available vertebrate species. In addition, this alteration is predicted to be neutral by in silico analysis (Choi Y et al. PLoS ONE. 2012; 7(10):e46688). Based on the available evidence, the clinical significance of this alteration remains unclear.